The following is an entry in ClinVar:

NM_022089.4(ATP13A2):c.3539G>A (p.Arg1180Lys)

Gene: ATP13A2 (ATPase cation transporting 13A2; minus strand). Cytogenetic location: 1p36.13.
Variant type: single nucleotide variant.
Coding change: c.3539G>A on transcript NM_022089.4 (MANE Select); coding-DNA position 3539, G replaced by A.
Protein change: p.Arg1180Lys; replaces arginine 1180 with lysine.
Molecular consequence: missense variant. On other transcripts: synonymous variant (1).
Genome position (GRCh38, 1-based): chr1:16,986,225, C>T on the plus strand (G>A on the coding strand, the complement: ATP13A2 is on the minus strand). VCF-style: chr1-16986225-C-T. GRCh37 (hg19) VCF-style: chr1-17312720-C-T.
Other names: c.3524G>A, p.Arg1175Lys (NM_001141973.3); c.3237G>A, p.Glu1079= (NM_001141974.3); short protein forms R1180K, R1175K.
Identifiers: ClinVar variation 293764 (VCV000293764.23), dbSNP rs771312962, ClinGen allele CA636454.
Genomic context (GRCh38, chr1:16,986,225, plus strand): 5'-CAGTTGGTGGCTCAGAGGCAGGGAGTTCCAGTGTCTGGGGTGCCCGTGGGCCTGCACTAC[C>T]TCAGGGGGCCGGCGGGCAGCGGCGGCCAGGGCTGCTCGGCCAGCTCTCGTTCCAGCTGCT-3'
Protein context (NP_071372.1, residues 1170-1180): PWPPLPAGPL[Arg1180Lys]

ClinVar aggregate classification (germline): Uncertain significance. Review status: criteria provided, multiple submitters, no conflicts (2 of 4 stars). 6 submissions from 6 submitters: Uncertain significance (6). Last evaluated 2025-01-01.

Conditions:
Kufor-Rakeb syndrome (KRS). Also called: PARKINSON DISEASE 9, AUTOSOMAL RECESSIVE, JUVENILE-ONSET. Identifiers: Orphanet 306674, Orphanet 314632, MedGen C1847640, MONDO:0011706, OMIM 606693.
Autosomal recessive spastic paraplegia type 78. Identifiers: Orphanet 513436, MedGen C5567893, MONDO:0014975, OMIM 617225.
Inborn genetic diseases. Identifiers: MedGen C0950123, MeSH D030342.

Allele frequency attached by ClinVar (database versions not stated): gnomAD exomes 0.00004 and 0.00005; TOPMed 0.00004; gnomAD 0.00007; ExAC 0.00009.
gnomAD v4.1: 77 of 1,612,210 alleles (0.0048%); highest among the groups gnomAD compares: Non-Finnish European, 0.006%; no homozygotes.

Submissions (6):

CeGaT Center for Human Genetics Tuebingen
Classification: Uncertain significance. Last evaluated: 2025-01-01. Review status: criteria provided, single submitter. Criteria: CeGaT Center For Human Genetics Tuebingen Variant Classification Criteria Version 2. Collection method: clinical testing. Allele origin: germline. Affected: yes. Observed: 1 variant allele.
Comment: ATP13A2: PM2

Ambry Genetics
Classification: Uncertain significance for Inborn genetic diseases. Last evaluated: 2024-08-21. Review status: criteria provided, single submitter. Criteria: Ambry Variant Classification Scheme 2023. Collection method: clinical testing. Allele origin: germline.

GeneDx
Classification: Uncertain significance. Last evaluated: 2024-08-04. Review status: criteria provided, single submitter. Criteria: GeneDx Variant Classification Process June 2021. Collection method: clinical testing. Allele origin: germline. Affected: yes.
Comment: Not observed at significant frequency in large population cohorts (gnomAD); In silico analysis indicates that this missense variant does not alter protein structure/function; Has not been previously published as pathogenic or benign to our knowledge

Blueprint Genetics
Classification: Uncertain significance. Last evaluated: 2023-08-02. Review status: criteria provided, single submitter. Criteria: ACMG Guidelines, 2015. Collection method: clinical testing. Allele origin: germline.

Labcorp Genetics (formerly Invitae), Labcorp
Classification: Uncertain significance for Kufor-Rakeb syndrome; Autosomal recessive spastic paraplegia type 78. Last evaluated: 2022-11-01. Review status: criteria provided, single submitter. Criteria: Invitae Variant Classification Sherloc (09022015). Collection method: clinical testing. Allele origin: germline.
Comment: In summary, the available evidence is currently insufficient to determine the role of this variant in disease. Therefore, it has been classified as a Variant of Uncertain Significance. Advanced modeling of protein sequence and biophysical properties (such as structural, functional, and spatial information, amino acid conservation, physicochemical variation, residue mobility, and thermodynamic stability) performed at Invitae indicates that this missense variant is not expected to disrupt ATP13A2 protein function. ClinVar contains an entry for this variant (Variation ID: 293764). This variant has not been reported in the literature in individuals affected with ATP13A2-related conditions. This variant is present in population databases (rs771312962, gnomAD 0.009%). This sequence change replaces arginine, which is basic and polar, with lysine, which is basic and polar, at codon 1180 of the ATP13A2 protein (p.Arg1180Lys).

Illumina Laboratory Services, Illumina
Classification: Uncertain significance for Kufor-Rakeb syndrome. Last evaluated: 2018-01-13. Review status: criteria provided, single submitter. Criteria: ICSL Variant Classification Criteria 13 December 2019. Collection method: clinical testing. Allele origin: germline.